The following is an entry in ClinVar:

NM_000760.4(CSF3R):c.490C>T (p.Arg164Trp)

Gene: CSF3R (colony stimulating factor 3 receptor; minus strand). Cytogenetic location: 1p34.3.
Variant type: single nucleotide variant.
Coding change: c.490C>T on transcript NM_000760.4 (MANE Select); coding-DNA position 490, C replaced by T.
Protein change: p.Arg164Trp; replaces arginine 164 with tryptophan.
Molecular consequence: missense variant.
Genome position (GRCh38, 1-based): chr1:36,473,618, G>A on the plus strand (C>T on the coding strand, the complement: CSF3R is on the minus strand). VCF-style: chr1-36473618-G-A. GRCh37 (hg19) VCF-style: chr1-36939219-G-A.
Other names: c.490C>T, p.Arg164Trp (NM_156039.3, NM_172313.3); short protein forms R164W.
Identifiers: ClinVar variation 957964 (VCV000957964.10), dbSNP rs762191036, ClinGen allele CA769450.

ClinVar aggregate classification (germline): Uncertain significance. Review status: criteria provided, multiple submitters, no conflicts (2 of 4 stars). 2 submissions from 2 submitters: Uncertain significance (2). Last evaluated 2025-07-19.

Conditions:
Autosomal recessive severe congenital neutropenia due to CSF3R deficiency. Also called: Neutropenia, severe congenital, 7, autosomal recessive. Identifiers: Orphanet 420702, MedGen C4310764, MONDO:0014865, OMIM 617014.

Allele frequency attached by ClinVar (database versions not stated): ExAC 0.00002; gnomAD 0.00003; gnomAD exomes 0.00003 and 0.00004; TOPMed 0.00003.
gnomAD v4.1: 59 of 1,613,876 alleles (0.0037%); highest among the groups gnomAD compares: Non-Finnish European, 0.0045%; no homozygotes.

Submissions (2):

Labcorp Genetics (formerly Invitae), Labcorp
Classification: Uncertain significance for Autosomal recessive severe congenital neutropenia due to CSF3R deficiency. Last evaluated: 2025-07-19. Review status: criteria provided, single submitter. Criteria: Invitae Variant Classification Sherloc (09022015). Collection method: clinical testing. Allele origin: germline.
Comment: This sequence change replaces arginine, which is basic and polar, with tryptophan, which is neutral and slightly polar, at codon 164 of the CSF3R protein (p.Arg164Trp). This variant is present in population databases (rs762191036, gnomAD 0.008%). This variant has not been reported in the literature in individuals affected with CSF3R-related conditions. ClinVar contains an entry for this variant (Variation ID: 957964). Invitae Evidence Modeling of protein sequence and biophysical properties (such as structural, functional, and spatial information, amino acid conservation, physicochemical variation, residue mobility, and thermodynamic stability) indicates that this missense variant is expected to disrupt CSF3R protein function with a positive predictive value of 80%. In summary, the available evidence is currently insufficient to determine the role of this variant in disease. Therefore, it has been classified as a Variant of Uncertain Significance.

Blueprint Genetics
Classification: Uncertain significance. Last evaluated: 2024-08-28. Review status: criteria provided, single submitter. Criteria: ACMG Guidelines, 2015. Collection method: clinical testing. Allele origin: germline.